The following is an entry in ClinVar:

ClinVar aggregate classification (germline): Benign (0 of 4 stars; one submission).

Conditions:
MYO9B-related disorder. Also called: MYO9B-related condition.

Allele frequency attached by ClinVar (database versions not stated): TOPMed 0.00015; 1000 Genomes Project 0.00060; 1000 Genomes Project 30x 0.00094; gnomAD exomes 0.00174; gnomAD 0.00401; ExAC 0.00460.
gnomAD v4.1: 3,080 of 1,589,308 alleles (0.19%); highest among the groups gnomAD compares: South Asian, 0.03%; 83 homozygotes.

Submission:

PreventionGenetics, part of Exact Sciences
Classification: Benign for MYO9B-related condition. Last evaluated: 2019-06-13. Review status: no assertion criteria provided. Collection method: clinical testing. Allele origin: germline.
Comment: This variant is classified as benign based on ACMG/AMP sequence variant interpretation guidelines (Richards et al. 2015 PMID: 25741868, with internal and published modifications).

NM_004145.4(MYO9B):c.6284G>A (p.Arg2095Gln)

Gene: MYO9B (myosin IXB; plus strand). Cytogenetic location: 19p13.11.
Variant type: single nucleotide variant.
Coding change: c.6284G>A on transcript NM_004145.4 (MANE Select); coding-DNA position 6284, G replaced by A.
Protein change: p.Arg2095Gln; replaces arginine 2095 with glutamine.
Molecular consequence: missense variant. On other transcripts: 3 prime UTR variant (1).
Genome position (GRCh38, 1-based): chr19:17,212,120, G>A. VCF-style: chr19-17212120-G-A. GRCh37 (hg19) VCF-style: chr19-17322929-G-A.
Other names: c.*227G>A (NM_001130065.2); short protein forms R2095Q.
Identifiers: ClinVar variation 3033660 (VCV003033660.2), dbSNP rs199852311, ClinGen allele CA9288884.